The following is an entry in ClinVar:

ClinVar aggregate classification (germline): Likely pathogenic. Review status: reviewed by expert panel (3 of 4 stars). 3 submissions from 3 submitters: Likely pathogenic (1). 2 of the submissions do not count toward it. Last evaluated 2026-10-29.

Conditions:
BRCA1-related cancer predisposition. Identifiers: MedGen CN377757, MONDO:0700268.
Hereditary breast ovarian cancer syndrome. Also called: Hereditary breast and ovarian cancer syndrome; BRCA1- and BRCA2-Associated Hereditary Breast and Ovarian Cancer; Hereditary breast and/or ovarian cancer syndrome; Hereditary breast and ovarian cancer syndrome (HBOC); Breast and ovarian cancer; Hereditary breast and ovarian cancer. Identifiers: Orphanet 145, MedGen C0677776, MeSH D061325, MONDO:0003582. Disease mechanism: loss of function.

Submissions (4):

ClinGen ENIGMA BRCA1 and BRCA2 Variant Curation Expert Panel, ClinGen
Classification: Likely pathogenic for BRCA1-related cancer predisposition. Last evaluated: 2026-10-29. Review status: reviewed by expert panel. Criteria: CSpec BRCA1/2ACMG Rules Specifications V1.2. Collection method: curation. Allele origin: germline. Inheritance: Autosomal dominant inheritance.
Comment: The c.80G>C variant in BRCA1 is a missense variant predicted to cause substitution of Cysteine by Serine at amino acid 27 (p.(Cys27Ser)). This is the last nucleotide of exon 2. This variant is absent from gnomAD v4.1 (read depth ≥25x in >90% samples, PM2_Supporting met). This BRCA1 missense variant is within a key functional domain and a SpliceAI score of 0.56 indicates a predicted impact on splicing (skipping of exon 2, which would lead to start codon loss). The computational predictor BayesDel (noAF) gives a score of 0.48, above the recommended threshold of 0.28 for prediction of impact on BRCA1 function via protein change (PP3 met). Missense variant predicted to alter splicing, functional data considered from assays that measure effect via mRNA and protein. Reported by one calibrated study incorporating mRNA splicing effects to exhibit function similar to pathogenic control variants (PMID: 30209399). Additionally reported by one calibrated study with cDNA based design to exhibit protein function similar to pathogenic control variants (PMID: 35659930) (PS3 met). In summary, this variant meets the criteria to be classified as a Likely pathogenic variant for BRCA1-related cancer predisposition based on the ACMG/AMP criteria applied as specified by the ENIGMA BRCA1/2 VCEP (v1.2) (PM2_Supporting, PP3, PS3).

Labcorp Genetics (formerly Invitae), Labcorp
Classification: Likely pathogenic for Hereditary breast ovarian cancer syndrome. Last evaluated: 2023-09-18. Review status: criteria provided, single submitter. Criteria: Invitae Variant Classification Sherloc (09022015). Collection method: clinical testing. Allele origin: germline. Not counted in ClinVar's aggregate classification.
Comment: In summary, the currently available evidence indicates that the variant is pathogenic, but additional data are needed to prove that conclusively. Therefore, this variant has been classified as Likely Pathogenic. This variant disrupts the c.80G nucleotide in the BRCA1 gene. Other variant(s) that disrupt this nucleotide have been determined to be pathogenic (PMID: 11526114, 22843421, 30209399). This suggests that this nucleotide is clinically significant, and that variants that disrupt this position are likely to be disease-causing. This variant has not been reported in the literature in individuals affected with BRCA1-related conditions. ClinVar contains an entry for this variant (Variation ID: 418064). An algorithm developed to predict the effect of missense changes on protein structure and function (PolyPhen-2) suggests that this variant is likely to be disruptive. Experimental studies have shown that this missense change affects BRCA1 function (PMID: 30209399). Variants that disrupt the consensus splice site are a relatively common cause of aberrant splicing (PMID: 17576681, 9536098). Algorithms developed to predict the effect of sequence changes on RNA splicing suggest that this variant may disrupt the consensus splice site. This variant is not present in population databases (gnomAD no frequency). This sequence change replaces cysteine, which is neutral and slightly polar, with serine, which is neutral and polar, at codon 27 of the BRCA1 protein (p.Cys27Ser). This variant also falls at the last nucleotide of exon 2, which is part of the consensus splice site for this exon.

GeneDx
Classification: Uncertain significance. Last evaluated: 2014-10-27. Review status: criteria provided, single submitter. Criteria: GeneDx Variant Classification (06012015). Collection method: clinical testing. Allele origin: germline. Affected: yes. Not counted in ClinVar's aggregate classification.
Comment: This variant is denoted BRCA1 c.80G>C at the cDNA level, p.Cys27Ser (C27S) at the protein level, and results in the change of a Cysteine to a Serine (TGT>TCT). This variant has not, to our knowledge, been published in the literature as pathogenic or benign. BRCA1 Cys27Ser was not observed in approximately 6,500 individuals of European and African American ancestry in the NHLBI Exome Sequencing Project, indicating it is not a common benign variant in these populations. Since Cysteine and Serine differ in polarity, charge, size or other properties, this is considered a non-conservative amino acid substitution. BRCA1 Cys27Ser occurs at a position that is well conserved across mammals and is located in the RING-finger domain (Narod 2004). In silico analyses predict that this variant is probably damaging to protein structure and function. Based on currently available information, it is unclear whether BRCA1 Cys27Ser is pathogenic or benign. We consider it to be a variant of uncertain significance.

Brotman Baty Institute, University of Washington
No classification provided (evidence only). Condition: Breast-ovarian cancer, familial 1. Review status: no classification provided. Collection method: in vitro. Allele origin: not applicable. Functional consequence: functionally_abnormal. Not counted in ClinVar's aggregate classification.
ClinVar note: "not provided" was previously submitted as the classification for the variant. However, the classification appeared to be based only on an observation of functional data so it was converted to no classification on 2025-07-30.

Literature cited by the submitters: PubMed 11526114 (cited by Labcorp Genetics (formerly Invitae), Labcorp); PubMed 22843421 (cited by Labcorp Genetics (formerly Invitae), Labcorp); PubMed 30209399 (cited by Labcorp Genetics (formerly Invitae), Labcorp); PubMed 17576681 (cited by Labcorp Genetics (formerly Invitae), Labcorp); PubMed 9536098 (cited by Labcorp Genetics (formerly Invitae), Labcorp).

NM_007294.4(BRCA1):c.80G>C (p.Cys27Ser)

Gene: BRCA1 (BRCA1 DNA repair associated; minus strand). Cytogenetic location: 17q21.31.
Variant type: single nucleotide variant.
Coding change: c.80G>C on transcript NM_007294.4 (MANE Select); coding-DNA position 80, G replaced by C.
Protein change: p.Cys27Ser; replaces cysteine 27 with serine.
Molecular consequence: missense variant. On other transcripts: 5 prime UTR variant (1), non-coding transcript variant (1).
Genome position (GRCh38, 1-based): chr17:43,124,017, C>G on the plus strand (G>C on the coding strand, the complement: BRCA1 is on the minus strand). VCF-style: chr17-43124017-C-G. GRCh37 (hg19) VCF-style: chr17-41276034-C-G.
Other names: NM_007294.4(BRCA1):c.80G>C; p.Cys27Ser; c.-109G>C (NM_001407571.1, NM_001407853.1, NM_001407879.1 and 46 more transcripts); c.80G>C, p.Cys27Ser (NM_001407581.1, NM_001407582.1, NM_001407583.1 and 192 more transcripts); c.-178G>C (NM_001407694.1, NM_001407724.1, NM_001407727.1 and 11 more transcripts); c.-182G>C (NM_001407695.1, NM_001408465.1); c.-323G>C (NM_001407696.1); c.-207G>C (NM_001407697.1, NM_001407846.1, NM_001407920.1); and 11 more; short protein forms C27S, W27S.
Identifiers: ClinVar variation 418064 (VCV000418064.14), dbSNP rs1064793052, ClinGen allele CA10601997.